The following is an entry in ClinVar:

NM_000038.6(APC):c.6458A>G (p.Asp2153Gly)

Gene: APC (APC regulator of Wnt signaling pathway; plus strand). Cytogenetic location: 5q22.2.
Variant type: single nucleotide variant.
Coding change: c.6458A>G on transcript NM_000038.6 (MANE Select); coding-DNA position 6458, A replaced by G.
Protein change: p.Asp2153Gly; replaces aspartic acid 2153 with glycine.
Molecular consequence: missense variant. On other transcripts: non-coding transcript variant (2).
Genome position (GRCh38, 1-based): chr5:112,842,052, A>G. VCF-style: chr5-112842052-A-G. GRCh37 (hg19) VCF-style: chr5-112177749-A-G.
Other names: c.6458A>G, p.Asp2153Gly (NM_001127510.3, NM_001354895.2, NM_001407450.1); c.6404A>G, p.Asp2135Gly (NM_001127511.3); c.6512A>G, p.Asp2171Gly (NM_001354896.2, NM_001407447.1, NM_001407448.1 and 1 more transcripts); c.6488A>G, p.Asp2163Gly (NM_001354897.2); c.6383A>G, p.Asp2128Gly (NM_001354898.2); c.6374A>G, p.Asp2125Gly (NM_001354899.2); c.6335A>G, p.Asp2112Gly (NM_001354900.2); c.6281A>G, p.Asp2094Gly (NM_001354901.2, NM_001407453.1); and 11 more; short protein forms D1769G, D1870G, D1993G, D2024G, D2027G, D2052G, D2062G, D2070G.
Identifiers: ClinVar variation 4801507 (VCV004801507.1).

ClinVar aggregate classification (germline): Uncertain significance (1 of 4 stars; one submission).

Conditions:
Familial adenomatous polyposis 1 (FAP1). Also called: FAMILIAL ADENOMATOUS POLYPOSIS 1, ATTENUATED; POLYPOSIS, ADENOMATOUS INTESTINAL. Identifiers: MedGen C2713442, MONDO:0021056, OMIM 175100. Disease mechanism: loss of function.

Submission:

Labcorp Genetics (formerly Invitae), Labcorp
Classification: Uncertain significance for Familial adenomatous polyposis 1. Last evaluated: 2025-04-10. Review status: criteria provided, single submitter. Criteria: Invitae Variant Classification Sherloc (09022015). Collection method: clinical testing. Allele origin: germline.
Comment: This sequence change replaces aspartic acid, which is acidic and polar, with glycine, which is neutral and non-polar, at codon 2153 of the APC protein (p.Asp2153Gly). This variant is not present in population databases (gnomAD no frequency). This variant has not been reported in the literature in individuals affected with APC-related conditions. Invitae Evidence Modeling of protein sequence and biophysical properties (such as structural, functional, and spatial information, amino acid conservation, physicochemical variation, residue mobility, and thermodynamic stability) indicates that this missense variant is not expected to disrupt APC protein function with a negative predictive value of 95%. In summary, the available evidence is currently insufficient to determine the role of this variant in disease. Therefore, it has been classified as a Variant of Uncertain Significance.